The following is an entry in ClinVar:

NM_001165963.4(SCN1A):c.1662+1G>T

Gene: SCN1A (sodium voltage-gated channel alpha subunit 1; minus strand). Cytogenetic location: 2q24.3.
Variant type: single nucleotide variant.
Coding change: c.1662+1G>T on transcript NM_001165963.4 (MANE Select); the canonical splice donor site of the intron after coding-DNA position 1662, G replaced by T.
Molecular consequence: splice donor variant.
Genome position (GRCh38, 1-based): chr2:166,045,042, C>A on the plus strand (G>T on the coding strand, the complement: SCN1A is on the minus strand). VCF-style: chr2-166045042-C-A. GRCh37 (hg19) VCF-style: chr2-166901552-C-A.
Other names: c.1662+1G>T (NM_001353949.2, NM_001353958.2, NM_001353950.2 and 7 more transcripts); c.1659+1G>T (NM_001353955.2, NM_001353960.2, NM_001353954.2); c.-764+1G>T (NM_001353961.2).
Identifiers: ClinVar variation 189908 (VCV000189908.2), dbSNP rs794726749, ClinGen allele CA303279.

ClinVar aggregate classification (germline): Pathogenic/Likely pathogenic. Review status: criteria provided, multiple submitters, no conflicts (2 of 4 stars). 2 submissions from 2 submitters: Pathogenic (1); Likely pathogenic (1). Last evaluated 2019-02-15.

Conditions:
SCN1A-related disorder. Also called: SCN1A-related conditions; SCN1A-related condition; SCN1A-related disorders.
Severe myoclonic epilepsy in infancy (DRVT). Also called: Epileptic encephalopathy, early infantile, 6 (Dravet syndrome); Dravet syndrome; SEVERE MYOCLONIC EPILEPSY OF INFANCY; DEVELOPMENTAL AND EPILEPTIC ENCEPHALOPATHY 6A; Severe Myoclonic Epilepsy in Infancy (SMEI). Identifiers: Orphanet 33069, MedGen C0751122, MONDO:0100135, OMIM 607208.

Submissions (2):

Blueprint Genetics
Classification: Likely pathogenic for SCN1A-related disorders. Last evaluated: 2019-02-15. Review status: criteria provided, single submitter. Criteria: ACMG Guidelines, 2015. Collection method: clinical testing. Allele origin: germline. Affected: yes. Observed: 1 variant allele.

Center for Bioinformatics, Peking University
Classification: Pathogenic for Dravet syndrome. Last evaluated: 2014-12-20. Review status: criteria provided, single submitter. Criteria: Xu et al. (Hum Mutat. 2015). Collection method: research. Allele origin: de novo. Affected: yes. Observed: 1 variant allele. Study: University Clinical Cooperation “985 Project” PKU-2014-1-1.
Comment: Dravet syndrome (DS) probands were recruited from the outpatient and inpatient child neurology units of Peking University First Hospital from 2005 till present. The study was approved by the Ethics Committee of Peking University First Hospital and the Institutional Review Board at Peking University. Participants or their parents provided written informed consent before enrollment. We collected a total of 267 mutations from 255 families with probands diagnosed with DS in China. All probands fulfilled the clinical diagnostic criteria.